The following is an entry in ClinVar:

NM_000642.3(AGL):c.1909G>A (p.Ala637Thr)

Gene: AGL (amylo-alpha-1,6-glucosidase and 4-alpha-glucanotransferase; plus strand). Cytogenetic location: 1p21.2.
Variant type: single nucleotide variant.
Coding change: c.1909G>A on transcript NM_000642.3 (MANE Select); coding-DNA position 1909, G replaced by A.
Protein change: p.Ala637Thr; replaces alanine 637 with threonine.
Molecular consequence: missense variant.
Genome position (GRCh38, 1-based): chr1:99,881,085, G>A. VCF-style: chr1-99881085-G-A. GRCh37 (hg19) VCF-style: chr1-100346641-G-A.
Other names: c.1909G>A, p.Ala637Thr (NM_000028.3, NM_000643.3, NM_000644.3 and 2 more transcripts); c.1861G>A, p.Ala621Thr (NM_000646.3); c.1708G>A, p.Ala570Thr (NM_001425327.1); c.1705G>A, p.Ala569Thr (NM_001425328.1, NM_001425329.1); c.1531G>A, p.Ala511Thr (NM_001425332.1); short protein forms A621T, A637T, A511T, A569T, A570T.
Identifiers: ClinVar variation 658683 (VCV000658683.7), dbSNP rs372501843, ClinGen allele CA966640.
Genomic context (GRCh38, chr1:99,881,085, plus strand): 5'-CTTTGCATTTGAAAGAAAGCAAACTTTTGCTTTGTTGTTGTTGTCTTCTAGCATAGATCA[G>A]CGTATGATGCTCTTCCAAGTACTACAATTGTTTCTATGGCATGTTGTGCTAGTGGAAGTA-3'
Protein context (NP_000633.2, residues 627-647): DNECPIVHRS[Ala637Thr]YDALPSTTIV

ClinVar aggregate classification (germline): Uncertain significance. Review status: criteria provided, multiple submitters, no conflicts (2 of 4 stars). 4 submissions from 4 submitters: Uncertain significance (3). 1 of the submissions does not count toward it. Last evaluated 2024-11-07.

Conditions:
Glycogen storage disease type III (GSD3). Also called: Cori disease; FORBES DISEASE. Identifiers: Orphanet 366, MedGen C0017922, MONDO:0009291, OMIM 232400.

Allele frequency attached by ClinVar (database versions not stated): gnomAD 0.00001; gnomAD exomes 0.00001 and 0.00007; TOPMed 0.00002; ExAC 0.00003.

Submissions (4):

Labcorp Genetics (formerly Invitae), Labcorp
Classification: Uncertain significance for Glycogen storage disease type III. Last evaluated: 2024-11-07. Review status: criteria provided, single submitter. Criteria: Invitae Variant Classification Sherloc (09022015). Collection method: clinical testing. Allele origin: germline.
Comment: This sequence change replaces alanine, which is neutral and non-polar, with threonine, which is neutral and polar, at codon 637 of the AGL protein (p.Ala637Thr). This variant is present in population databases (rs372501843, gnomAD 0.09%). This variant has not been reported in the literature in individuals affected with AGL-related conditions. ClinVar contains an entry for this variant (Variation ID: 658683). Invitae Evidence Modeling of protein sequence and biophysical properties (such as structural, functional, and spatial information, amino acid conservation, physicochemical variation, residue mobility, and thermodynamic stability) indicates that this missense variant is not expected to disrupt AGL protein function with a negative predictive value of 80%. In summary, the available evidence is currently insufficient to determine the role of this variant in disease. Therefore, it has been classified as a Variant of Uncertain Significance.

Genome-Nilou Lab
Classification: Uncertain significance for Glycogen storage disease type III. Last evaluated: 2023-04-11. Review status: criteria provided, single submitter. Criteria: ACMG Guidelines, 2015. Collection method: clinical testing. Allele origin: germline. Affected: no.

Fulgent Genetics
Classification: Uncertain significance for Glycogen storage disease type III. Last evaluated: 2021-08-13. Review status: criteria provided, single submitter. Criteria: ACMG Guidelines, 2015. Collection method: clinical testing. Allele origin: unknown.

Natera, Inc.
Classification: Uncertain significance for Glycogen storage disease type III. Last evaluated: 2020-09-16. Review status: no assertion criteria provided. Collection method: clinical testing. Allele origin: germline. Not counted in ClinVar's aggregate classification.